The following is an entry in ClinVar:

NM_005918.4(MDH2):c.823T>A (p.Cys275Ser)

Gene: MDH2 (malate dehydrogenase 2; plus strand). Cytogenetic location: 7q11.23.
Variant type: single nucleotide variant.
Coding change: c.823T>A on transcript NM_005918.4 (MANE Select); coding-DNA position 823, T replaced by A.
Protein change: p.Cys275Ser; replaces cysteine 275 with serine.
Molecular consequence: missense variant.
Genome position (GRCh38, 1-based): chr7:76,064,891, T>A. VCF-style: chr7-76064891-T-A. GRCh37 (hg19) VCF-style: chr7-75694209-T-A.
Other names: c.697T>A, p.Cys233Ser (NM_001282403.2); c.502T>A, p.Cys168Ser (NM_001282404.2); short protein forms C275S, C168S, C233S.
Identifiers: ClinVar variation 1762586 (VCV001762586.2), dbSNP rs1798053754, ClinGen allele CA367768519.

ClinVar aggregate classification (germline): Uncertain significance (1 of 4 stars; one submission).

Conditions:
Inborn genetic diseases. Identifiers: MedGen C0950123, MeSH D030342.

Submission:

Ambry Genetics
Classification: Uncertain significance for Inborn genetic diseases. Last evaluated: 2022-07-30. Review status: criteria provided, single submitter. Criteria: Ambry Variant Classification Scheme 2023. Collection method: clinical testing. Allele origin: germline.
Comment: The p.C275S variant (also known as c.823T>A), located in coding exon 8 of the MDH2 gene, results from a T to A substitution at nucleotide position 823. The cysteine at codon 275 is replaced by serine, an amino acid with dissimilar properties. This amino acid position is conserved. In addition, this alteration is predicted to be deleterious by in silico analysis. Since supporting evidence is limited at this time, the clinical significance of this alteration remains unclear.